The following is an entry in ClinVar:

NM_017654.4(SAMD9):c.3525T>G (p.Tyr1175Ter)

Gene: SAMD9 (sterile alpha motif domain containing 9; minus strand). Cytogenetic location: 7q21.2.
Variant type: single nucleotide variant.
Coding change: c.3525T>G on transcript NM_017654.4 (MANE Select); coding-DNA position 3525, T replaced by G.
Protein change: p.Tyr1175Ter; replaces tyrosine 1175 with a stop codon.
Molecular consequence: nonsense.
Genome position (GRCh38, 1-based): chr7:93,102,573, A>C on the plus strand (T>G on the coding strand, the complement: SAMD9 is on the minus strand). VCF-style: chr7-93102573-A-C. GRCh37 (hg19) VCF-style: chr7-92731886-A-C.
Other names: c.3525T>G (NM_017654.3); c.3525T>G, p.Tyr1175Ter (NM_001193307.2); short protein forms Y1175*.
Identifiers: ClinVar variation 1018161 (VCV001018161.10), dbSNP rs751811624, ClinGen allele CA4342686.

ClinVar aggregate classification (germline): Uncertain significance. Review status: criteria provided, multiple submitters, no conflicts (2 of 4 stars). 5 submissions from 5 submitters: Uncertain significance (5). Last evaluated 2026-01-21.

Conditions:
SAMD9-related disorder. Also called: SAMD9-related condition.
MIRAGE syndrome. Also called: MYELODYSPLASIA, INFECTION, RESTRICTION OF GROWTH, ADRENAL HYPOPLASIA, GENITAL PHENOTYPES, AND ENTEROPATHY. Identifiers: Orphanet 494433, MedGen C4284088, MONDO:0014888, OMIM 617053.

Allele frequency attached by ClinVar (database versions not stated): ExAC 0.00001; gnomAD exomes 0.00002; TOPMed 0.00002.
gnomAD v4.1: 11 of 1,613,802 alleles (0.00068%); highest among the groups gnomAD compares: Admixed American, 0.018%; no homozygotes.

Submissions (5):

Labcorp Genetics (formerly Invitae), Labcorp
Classification: Uncertain significance. Last evaluated: 2026-01-21. Review status: criteria provided, single submitter. Criteria: Invitae Variant Classification Sherloc (09022015). Collection method: clinical testing. Allele origin: germline.
Comment: This sequence change creates a premature translational stop signal (p.Tyr1175*) in the SAMD9 gene. While this is not anticipated to result in nonsense mediated decay, it is expected to disrupt the last 415 amino acid(s) of the SAMD9 protein. This variant is present in population databases (rs751811624, gnomAD 0.01%). This variant has not been reported in the literature in individuals affected with SAMD9-related conditions. ClinVar contains an entry for this variant (Variation ID: 1018161). Experimental studies and prediction algorithms are not available or were not evaluated, and the functional significance of this variant is currently unknown. In summary, the available evidence is currently insufficient to determine the role of this variant in disease. Therefore, it has been classified as a Variant of Uncertain Significance.

Women's Health and Genetics/Laboratory Corporation of America, LabCorp
Classification: Uncertain significance. Last evaluated: 2025-10-20. Review status: criteria provided, single submitter. Criteria: LabCorp Variant Classification Summary - May 2015. Collection method: clinical testing. Allele origin: germline.
Comment: Variant summary: SAMD9 c.3525T>G (p.Tyr1175X) results in a premature termination codon, predicted to cause a truncation of the encoded protein or absence of the protein due to nonsense mediated decay, however current evidence is not sufficient to establish loss of function as a mechanism for disease. The variant allele was found at a frequency of 2e-05 in 251158 control chromosomes. The available data on variant occurrences in the general population are insufficient to allow any conclusion about variant significance. To our knowledge, no occurrence of c.3525T>G in individuals affected with SAMD9-related conditions and no experimental evidence demonstrating its impact on protein function have been reported. ClinVar contains an entry for this variant (Variation ID: 1018161). Based on the evidence outlined above, the variant was classified as uncertain significance.

PreventionGenetics, part of Exact Sciences
Classification: Uncertain significance for SAMD9-related condition. Last evaluated: 2024-11-07. Review status: criteria provided, single submitter. Criteria: ACMG Guidelines, 2015. Collection method: clinical testing. Allele origin: germline.
Comment: The SAMD9 c.3525T>G variant is predicted to result in premature protein termination (p.Tyr1175*). To our knowledge, this variant has not been reported in the literature. This variant is reported in 0.014% of alleles in individuals of Latino descent in gnomAD and has been interpreted as uncertain by multiple submitters in ClinVar. Loss of function is not an established mechanism of SAMD9-related disease. At this time, the clinical significance of this variant is uncertain due to the absence of conclusive functional and genetic evidence.

GeneDx
Classification: Uncertain significance. Last evaluated: 2024-01-18. Review status: criteria provided, single submitter. Criteria: GeneDx Variant Classification Process June 2021. Collection method: clinical testing. Allele origin: germline. Affected: yes.
Comment: Not observed at significant frequency in large population cohorts (gnomAD); Nonsense variant predicted to result in protein truncation, as the last 415 amino acids are lost, in a gene for which loss of function is not an established mechanism of disease; Has not been previously published as pathogenic or benign to our knowledge; This variant is associated with the following publications: (PMID: 28545555)

St. Jude Molecular Pathology, St. Jude Children's Research Hospital
Classification: Uncertain significance for MIRAGE syndrome. Last evaluated: 2023-10-16. Review status: criteria provided, single submitter. Criteria: St. Jude Assertion Criteria 2020. Collection method: clinical testing. Allele origin: germline.
Comment: The SAMD9 c.3525T>G (p.Tyr1175Ter) change is a nonsense variant that is predicted to cause premature protein truncation; however, the functional significance of this variant is currently unknown. This variant has a maximum subpopulation frequency of 0.014% in gnomAD v2.1.1. To our knowledge, this variant has not been reported in individuals with MIRAGE syndrome or monosomy 7/myelodysplastic syndrome. In summary, the evidence currently available is insufficient to determine the clinical significance of this variant. It has therefore been classified as of uncertain significance.